The following is an entry in ClinVar:

ClinVar aggregate classification (germline): Uncertain significance (1 of 4 stars; one submission).

Allele frequency attached by ClinVar (database versions not stated): TOPMed 0.00002; gnomAD 0.00003.
gnomAD v4.1: 13 of 1,571,134 alleles (0.00083%); highest among the groups gnomAD compares: African/African-American, 0.0041%; no homozygotes.

Submission:

Labcorp Genetics (formerly Invitae), Labcorp
Classification: Uncertain significance. Last evaluated: 2021-12-26. Review status: criteria provided, single submitter. Criteria: Invitae Variant Classification Sherloc (09022015). Collection method: clinical testing. Allele origin: germline.
Comment: This sequence change replaces glycine, which is neutral and non-polar, with arginine, which is basic and polar, at codon 1938 of the TRIOBP protein (p.Gly1938Arg). This variant has not been reported in the literature in individuals affected with TRIOBP-related conditions. In summary, the available evidence is currently insufficient to determine the role of this variant in disease. Therefore, it has been classified as a Variant of Uncertain Significance. Algorithms developed to predict the effect of missense changes on protein structure and function are either unavailable or do not agree on the potential impact of this missense change (SIFT: "Deleterious"; PolyPhen-2: "Probably Damaging"; Align-GVGD: "Class C15"). This variant is present in population databases (no rsID available, gnomAD 0.01%).

NM_001039141.3(TRIOBP):c.5812G>A (p.Gly1938Arg)

Gene: TRIOBP (TRIO and F-actin binding protein; plus strand). Cytogenetic location: 22q13.1.
Variant type: single nucleotide variant.
Coding change: c.5812G>A on transcript NM_001039141.3 (MANE Select); coding-DNA position 5812, G replaced by A.
Protein change: p.Gly1938Arg; replaces glycine 1938 with arginine.
Molecular consequence: missense variant.
Genome position (GRCh38, 1-based): chr22:37,757,737, G>A. VCF-style: chr22-37757737-G-A. GRCh37 (hg19) VCF-style: chr22-38153744-G-A.
Other names: c.673G>A, p.Gly225Arg (NM_007032.5, NM_138632.2); short protein forms G225R, G1938R.
Identifiers: ClinVar variation 1352488 (VCV001352488.8), dbSNP rs1448407838, ClinGen allele CA411506965.